The following is an entry in ClinVar:

NM_001370259.2(MEN1):c.233T>G (p.Phe78Cys)

Gene: MEN1 (menin 1; minus strand). Cytogenetic location: 11q13.1.
Variant type: single nucleotide variant.
Coding change: c.233T>G on transcript NM_001370259.2 (MANE Select); coding-DNA position 233, T replaced by G.
Protein change: p.Phe78Cys; replaces phenylalanine 78 with cysteine.
Molecular consequence: missense variant.
Genome position (GRCh38, 1-based): chr11:64,809,877, A>C on the plus strand (T>G on the coding strand, the complement: MEN1 is on the minus strand). VCF-style: chr11-64809877-A-C. GRCh37 (hg19) VCF-style: chr11-64577349-A-C.
Other names: c.233T>G, p.Phe78Cys (NM_000244.4, NM_001370251.2, NM_001370260.2 and 20 more transcripts); short protein forms F78C.
Identifiers: ClinVar variation 1789846 (VCV001789846.3), dbSNP rs2136188478, ClinGen allele CA381187592.

ClinVar aggregate classification (germline): Uncertain significance. Review status: criteria provided, multiple submitters, no conflicts (2 of 4 stars). 2 submissions from 2 submitters: Uncertain significance (2). Last evaluated 2023-12-14.

Conditions:
Hereditary cancer-predisposing syndrome. Also called: Neoplastic Syndromes, Hereditary; Tumor predisposition; Hereditary neoplastic syndrome; Hereditary Cancer Syndrome. Identifiers: Orphanet 140162, MedGen C0027672, MeSH D009386, MONDO:0015356.
Multiple endocrine neoplasia, type 1 (MEN1). Also called: MEA I; MEN I; WERMER SYNDROME; Endocrine adenomatosis multiple; MEN 1. Identifiers: Orphanet 652, MedGen C0025267, MeSH D018761, MONDO:0007540, OMIM 131100.

Submissions (2):

All of Us Research Program, National Institutes of Health
Classification: Uncertain significance for Multiple endocrine neoplasia, type 1. Last evaluated: 2023-12-14. Review status: criteria provided, single submitter. Criteria: ACMG Guidelines, 2015. Collection method: clinical testing. Allele origin: germline. Inheritance: Autosomal dominant inheritance. Observed: 8 variant alleles, 8 heterozygotes.
Comment: This missense variant replaces phenylalanine with cysteine at codon 78 of the MEN1 protein. Computational prediction suggests that this variant may have deleterious impact on protein structure and function (internally defined REVEL score threshold >= 0.7, PMID: 27666373). To our knowledge, functional studies have not been reported for this variant. This variant has not been reported in individuals affected with hereditary cancer in the literature. This variant has not been identified in the general population by the Genome Aggregation Database (gnomAD). The available evidence is insufficient to determine the role of this variant in disease conclusively. Therefore, this variant is classified as a Variant of Uncertain Significance.

This study involves interpretation of variants in research participants for the purpose of population health screening. Participant phenotype was not available at the time of variant classification. Additional details can be found in publication PMID: 35346344, PMCID: PMC8962531

Ambry Genetics
Classification: Uncertain significance for Hereditary cancer-predisposing syndrome. Last evaluated: 2022-02-20. Review status: criteria provided, single submitter. Criteria: Ambry Variant Classification Scheme 2023. Collection method: clinical testing. Allele origin: germline.
Comment: The p.F78C variant (also known as c.233T>G), located in coding exon 1 of the MEN1 gene, results from a T to G substitution at nucleotide position 233. The phenylalanine at codon 78 is replaced by cysteine, an amino acid with highly dissimilar properties. This amino acid position is conserved. In addition, this alteration is predicted to be deleterious by in silico analysis. Since supporting evidence is limited at this time, the clinical significance of this alteration remains unclear.